The following is an entry in ClinVar:

NM_017617.5(NOTCH1):c.887T>C (p.Val296Ala)

Gene: NOTCH1 (notch receptor 1; minus strand). Cytogenetic location: 9q34.3.
Variant type: single nucleotide variant.
Coding change: c.887T>C on transcript NM_017617.5 (MANE Select); coding-DNA position 887, T replaced by C.
Protein change: p.Val296Ala; replaces valine 296 with alanine.
Molecular consequence: missense variant.
Genome position (GRCh38, 1-based): chr9:136,518,803, A>G on the plus strand (T>C on the coding strand, the complement: NOTCH1 is on the minus strand). VCF-style: chr9-136518803-A-G. GRCh37 (hg19) VCF-style: chr9-139413255-A-G.
Other names: p.Val296Ala; short protein forms V296A.
Identifiers: ClinVar variation 3379938 (VCV003379938.1).

ClinVar aggregate classification (germline): Uncertain significance (1 of 4 stars; one submission).

Submission:

Mayo Clinic Laboratories, Mayo Clinic
Classification: Uncertain significance. Last evaluated: 2024-04-17. Review status: criteria provided, single submitter. Criteria: ACMG Guidelines, 2015. Collection method: clinical testing. Allele origin: germline. Observed: 1 variant allele.
Comment: PP2, PP3, PM2